The following is an entry in ClinVar:

ClinVar aggregate classification (germline): Likely benign. Review status: criteria provided, multiple submitters, no conflicts (2 of 4 stars). 3 submissions from 3 submitters: Likely benign (3). Last evaluated 2025-11-10.

Conditions:
Acrocallosal syndrome (ACLS). Also called: HALLUX DUPLICATION, POSTAXIAL POLYDACTYLY, AND ABSENCE OF CORPUS CALLOSUM; Schinzel syndrome 1; Absence of corpus callosum with unusual facial appearance, mental deficiency, duplication of the halluces and polydactyly. Identifiers: Orphanet 36, MedGen C0796147, MONDO:0008708, OMIM 200990.

gnomAD v4.1: 20 of 1,610,214 alleles (0.0012%); highest among the groups gnomAD compares: Non-Finnish European, 0.0016%; no homozygotes.

Submissions (3):

Labcorp Genetics (formerly Invitae), Labcorp
Classification: Likely benign for Acrocallosal syndrome. Last evaluated: 2025-11-10. Review status: criteria provided, single submitter. Criteria: Invitae Variant Classification Sherloc (09022015). Collection method: clinical testing. Allele origin: germline.

CeGaT Center for Human Genetics Tuebingen
Classification: Likely benign. Last evaluated: 2024-08-01. Review status: criteria provided, single submitter. Criteria: CeGaT Center For Human Genetics Tuebingen Variant Classification Criteria Version 2. Collection method: clinical testing. Allele origin: germline. Affected: yes. Observed: 1 variant allele.
Comment: KIF7: BP4, BP7

Blueprint Genetics
Classification: Likely benign. Last evaluated: 2023-10-03. Review status: criteria provided, single submitter. Criteria: ACMG Guidelines, 2015. Collection method: clinical testing. Allele origin: germline.

NM_198525.3(KIF7):c.2370C>G (p.Val790=)

Gene: KIF7 (kinesin family member 7; minus strand). Cytogenetic location: 15q26.1.
Variant type: single nucleotide variant.
Coding change: c.2370C>G on transcript NM_198525.3 (MANE Select); coding-DNA position 2370, C replaced by G.
Protein change: p.Val790=; no amino-acid change (valine 790 retained).
Molecular consequence: synonymous variant.
Genome position (GRCh38, 1-based): chr15:89,642,227, G>C on the plus strand (C>G on the coding strand, the complement: KIF7 is on the minus strand). VCF-style: chr15-89642227-G-C. GRCh37 (hg19) VCF-style: chr15-90185458-G-C.
Identifiers: ClinVar variation 1920864 (VCV001920864.22), dbSNP rs772086808, ClinGen allele CA7728216.